The following is an entry in ClinVar:

NM_001103.4(ACTN2):c.697+33G>A

Gene: ACTN2 (actinin alpha 2; plus strand). Cytogenetic location: 1q43.
Variant type: single nucleotide variant.
Coding change: c.697+33G>A on transcript NM_001103.4 (MANE Select); 33 bases into the intron after coding-DNA position 697, G replaced by A.
Molecular consequence: intron variant.
Genome position (GRCh38, 1-based): chr1:236,731,347, G>A. VCF-style: chr1-236731347-G-A. GRCh37 (hg19) VCF-style: chr1-236894647-G-A.
Other names: c.-125+33G>A (NM_001278344.2); c.697+33G>A (NM_001278343.2).
Identifiers: ClinVar variation 671060 (VCV000671060.6), dbSNP rs819640, ClinGen allele CA1472882.

ClinVar aggregate classification (germline): Benign. Review status: criteria provided, multiple submitters, no conflicts (2 of 4 stars). 4 submissions from 4 submitters: Benign (4). Last evaluated 2026-09-21.

Conditions:
Myopathy, congenital, with structured cores and z-line abnormalities. Also called: MULTIPLE STRUCTURED CORE DISEASE; CONGENITAL MYOPATHY 8. Identifiers: MedGen C5231445, MONDO:0032852, OMIM 618654.

Allele frequency attached by ClinVar (database versions not stated): gnomAD 0.39452 and 0.39839; 1000 Genomes Project 0.49161; gnomAD exomes 0.33788 and 0.38252; TOPMed 0.41351; 1000 Genomes Project 30x 0.48938; ExAC 0.38822; ESP Exome Variant Server 0.39805.
gnomAD v4.1: 536,906 of 1,557,376 alleles (34%); highest among the groups gnomAD compares: African/African-American, 57%; 98,023 homozygotes.

Submissions (4):

Molecular Diagnostic Laboratory for Inherited Cardiovascular Disease, Montreal Heart Institute
Classification: Benign. Last evaluated: 2026-09-21. Review status: criteria provided, single submitter. Criteria: ACMG Guidelines, 2015. Collection method: clinical testing. Allele origin: germline. Affected: no.
Comment: BA1

Genome-Nilou Lab
Classification: Benign for Myopathy, congenital, with structured cores and z-line abnormalities. Last evaluated: 2021-07-14. Review status: criteria provided, single submitter. Criteria: ACMG Guidelines, 2015. Collection method: clinical testing. Allele origin: germline. Affected: no.

GeneDx
Classification: Benign. Last evaluated: 2018-06-14. Review status: criteria provided, single submitter. Criteria: GeneDx Variant Classification (06012015). Collection method: clinical testing. Allele origin: germline. Affected: yes.
Comment: This variant is considered likely benign or benign based on one or more of the following criteria: it is a conservative change, it occurs at a poorly conserved position in the protein, it is predicted to be benign by multiple in silico algorithms, and/or has population frequency not consistent with disease.

Breakthrough Genomics
Classification: Benign. Review status: criteria provided, single submitter. Criteria: ACMG Guidelines, 2015. Collection method: not provided. Allele origin: germline. Inheritance: Autosomal dominant inheritance. Affected: yes.